The following is an entry in ClinVar:

NM_004393.6(DAG1):c.740A>G (p.Asn247Ser)

Gene: DAG1 (dystroglycan 1; plus strand). Cytogenetic location: 3p21.31.
Variant type: single nucleotide variant.
Coding change: c.740A>G on transcript NM_004393.6 (MANE Select); coding-DNA position 740, A replaced by G.
Protein change: p.Asn247Ser; replaces asparagine 247 with serine.
Molecular consequence: missense variant.
Genome position (GRCh38, 1-based): chr3:49,531,251, A>G. VCF-style: chr3-49531251-A-G. GRCh37 (hg19) VCF-style: chr3-49568684-A-G.
Other names: c.740A>G (NM_004393.4); c.740A>G, p.Asn247Ser (NM_001165928.4, NM_001177634.3, NM_001177635.3 and 9 more transcripts); short protein forms N247S.
Identifiers: ClinVar variation 1518567 (VCV001518567.7), dbSNP rs1320232858, ClinGen allele CA352793977.

ClinVar aggregate classification (germline): Uncertain significance. Review status: criteria provided, multiple submitters, no conflicts (2 of 4 stars). 3 submissions from 3 submitters: Uncertain significance (3). Last evaluated 2025-05-25.

Conditions:
Inborn genetic diseases. Identifiers: MedGen C0950123, MeSH D030342.
Muscular dystrophy-dystroglycanopathy (congenital with brain and eye anomalies), type A9. Also called: Muscular dystrophy-dystroglycanopathy (congenital with brain and eye anomalies), type a, 9; WALKER-WARBURG SYNDROME OR MUSCLE-EYE BRAIN DISEASE, DAG1-RELATED. Identifiers: Orphanet 370997, Orphanet 899, MedGen C4225291, MONDO:0014683, OMIM 616538.
Autosomal recessive limb-girdle muscular dystrophy type 2P. Also called: MUSCULAR DYSTROPHY-DYSTROGLYCANOPATHY, LIMB-GIRDLE, DAG1-RELATED; MUSCULAR DYSTROPHY, LIMB-GIRDLE, TYPE 2P; Limb-Girdle Muscular Dystrophy Type 9C. Identifiers: Orphanet 280333, MedGen C4511963, MONDO:0013440, OMIM 613818.

Allele frequency attached by ClinVar (database versions not stated): gnomAD exomes below 0.00001 and 0.00001; TOPMed below 0.00001; gnomAD 0.00001.
gnomAD v4.1: 12 of 1,614,018 alleles (0.00074%); highest among the groups gnomAD compares: Non-Finnish European, 0.001%; no homozygotes.

Submissions (3):

Ambry Genetics
Classification: Uncertain significance for Inborn genetic diseases. Last evaluated: 2025-05-25. Review status: criteria provided, single submitter. Criteria: Ambry Variant Classification Scheme 2023. Collection method: clinical testing. Allele origin: germline.

Blueprint Genetics
Classification: Uncertain significance. Last evaluated: 2021-12-08. Review status: criteria provided, single submitter. Criteria: ACMG Guidelines, 2015. Collection method: clinical testing. Allele origin: germline.

Labcorp Genetics (formerly Invitae), Labcorp
Classification: Uncertain significance for Autosomal recessive limb-girdle muscular dystrophy type 2P; Muscular dystrophy-dystroglycanopathy (congenital with brain and eye anomalies), type A9. Last evaluated: 2021-08-31. Review status: criteria provided, single submitter. Criteria: Invitae Variant Classification Sherloc (09022015). Collection method: clinical testing. Allele origin: germline.
Comment: This sequence change replaces asparagine with serine at codon 247 of the DAG1 protein (p.Asn247Ser). The asparagine residue is moderately conserved and there is a small physicochemical difference between asparagine and serine. This variant is not present in population databases (ExAC no frequency). This variant has not been reported in the literature in individuals affected with DAG1-related conditions. Algorithms developed to predict the effect of missense changes on protein structure and function are either unavailable or do not agree on the potential impact of this missense change (SIFT: "Tolerated"; PolyPhen-2: "Probably Damaging"; Align-GVGD: "Class C0"). In summary, the available evidence is currently insufficient to determine the role of this variant in disease. Therefore, it has been classified as a Variant of Uncertain Significance.